The following is an entry in ClinVar:

NM_001375834.1(WIPF1):c.16C>A (p.Pro6Thr)

Genes: WIPF1 (WAS/WASL interacting protein family member 1; minus strand), WIPF1-AS1 (WIPF1 and CHRNA1 antisense RNA 1; plus strand). Cytogenetic location: 2q31.1.
Variant type: single nucleotide variant.
Coding change: c.16C>A on transcript NM_001375834.1 (MANE Select); coding-DNA position 16, C replaced by A.
Protein change: p.Pro6Thr; replaces proline 6 with threonine.
Molecular consequence: missense variant.
Genome position (GRCh38, 1-based): chr2:174,585,558, G>T on the plus strand (C>A on the coding strand, the complement: WIPF1 is on the minus strand). VCF-style: chr2-174585558-G-T. GRCh37 (hg19) VCF-style: chr2-175450286-G-T.
Other names: c.16C>A, p.Pro6Thr (NM_001077269.1, NM_001375832.1, NM_001375833.1 and 6 more transcripts); short protein forms P6T.
Identifiers: ClinVar variation 970679 (VCV000970679.8), dbSNP rs200376655, ClinGen allele CA349687928.

ClinVar aggregate classification (germline): Uncertain significance (1 of 4 stars; one submission).

Conditions:
Wiskott-Aldrich syndrome 2 (WAS2). Also called: WIPF1 DEFICIENCY. Identifiers: Orphanet 906, MedGen C3281001, MONDO:0013779, OMIM 614493.

Allele frequency attached by ClinVar (database versions not stated): gnomAD exomes below 0.00001.
gnomAD v4.1: 2 of 1,612,048 alleles (0.00012%); highest among the groups gnomAD compares: South Asian, 0.0011%; no homozygotes.

Submission:

Labcorp Genetics (formerly Invitae), Labcorp
Classification: Uncertain significance for Wiskott-Aldrich syndrome 2. Last evaluated: 2019-10-11. Review status: criteria provided, single submitter. Criteria: Invitae Variant Classification Sherloc (09022015). Collection method: clinical testing. Allele origin: germline.
Comment: This variant has not been reported in the literature in individuals with WIPF1-related conditions. This variant is not present in population databases (ExAC no frequency). Algorithms developed to predict the effect of missense changes on protein structure and function are either unavailable or do not agree on the potential impact of this missense change (SIFT: "Deleterious"; PolyPhen-2: "Probably Damaging"; Align-GVGD: "Class C0"). In summary, the available evidence is currently insufficient to determine the role of this variant in disease. Therefore, it has been classified as a Variant of Uncertain Significance. This sequence change replaces proline with threonine at codon 6 of the WIPF1 protein (p.Pro6Thr). The proline residue is highly conserved and there is a small physicochemical difference between proline and threonine.